The following is an entry in ClinVar:

ClinVar aggregate classification (germline): Uncertain significance (1 of 4 stars; one submission).

Allele frequency attached by ClinVar (database versions not stated): TOPMed below 0.00001; gnomAD 0.00001; gnomAD exomes 0.00001 and 0.00002; ExAC 0.00003.
gnomAD v4.1: 16 of 1,614,076 alleles (0.00099%); highest among the groups gnomAD compares: East Asian, 0.0022%; no homozygotes.

Submission:

Labcorp Genetics (formerly Invitae), Labcorp
Classification: Uncertain significance. Last evaluated: 2021-10-21. Review status: criteria provided, single submitter. Criteria: Invitae Variant Classification Sherloc (09022015). Collection method: clinical testing. Allele origin: germline.
Comment: In summary, the available evidence is currently insufficient to determine the role of this variant in disease. Therefore, it has been classified as a Variant of Uncertain Significance. Algorithms developed to predict the effect of missense changes on protein structure and function (SIFT, PolyPhen-2, Align-GVGD) all suggest that this variant is likely to be tolerated. This variant has not been reported in the literature in individuals affected with NLRP1-related conditions. This variant is present in population databases (rs773542915, ExAC 0.02%). This sequence change replaces arginine with cysteine at codon 1109 of the NLRP1 protein (p.Arg1109Cys). The arginine residue is weakly conserved and there is a large physicochemical difference between arginine and cysteine.

NM_033004.4(NLRP1):c.3325C>T (p.Arg1109Cys)

Gene: NLRP1 (NLR family pyrin domain containing 1; minus strand). Cytogenetic location: 17p13.2.
Variant type: single nucleotide variant.
Coding change: c.3325C>T on transcript NM_033004.4 (MANE Select); coding-DNA position 3325, C replaced by T.
Protein change: p.Arg1109Cys; replaces arginine 1109 with cysteine.
Molecular consequence: missense variant.
Genome position (GRCh38, 1-based): chr17:5,530,676, G>A on the plus strand (C>T on the coding strand, the complement: NLRP1 is on the minus strand). VCF-style: chr17-5530676-G-A. GRCh37 (hg19) VCF-style: chr17-5433996-G-A.
Other names: c.3337C>T, p.Arg1113Cys (NM_001033053.3); c.3325C>T, p.Arg1109Cys (NM_014922.5); c.3235C>T, p.Arg1079Cys (NM_033006.4, NM_033007.4); short protein forms R1109C, R1113C, R1079C.
Identifiers: ClinVar variation 1488544 (VCV001488544.6), dbSNP rs773542915, ClinGen allele CA8326855.